The following is an entry in ClinVar:

ClinVar aggregate classification (germline): Uncertain significance. Review status: criteria provided, multiple submitters, no conflicts (2 of 4 stars). 3 submissions from 3 submitters: Uncertain significance (3). Last evaluated 2025-06-11.

Conditions:
Inborn genetic diseases. Identifiers: MedGen C0950123, MeSH D030342.

Allele frequency attached by ClinVar (database versions not stated): TOPMed below 0.00001; ExAC 0.00001.

Submissions (3):

Ambry Genetics
Classification: Uncertain significance for Inborn genetic diseases. Last evaluated: 2025-06-11. Review status: criteria provided, single submitter. Criteria: Ambry Variant Classification Scheme 2023. Collection method: clinical testing. Allele origin: germline.

Labcorp Genetics (formerly Invitae), Labcorp
Classification: Uncertain significance. Last evaluated: 2025-02-10. Review status: criteria provided, single submitter. Criteria: Invitae Variant Classification Sherloc (09022015). Collection method: clinical testing. Allele origin: germline.
Comment: This sequence change replaces aspartic acid, which is acidic and polar, with histidine, which is basic and polar, at codon 1655 of the MYH9 protein (p.Asp1655His). This variant is present in population databases (rs751002241, gnomAD 0.006%). This variant has not been reported in the literature in individuals affected with MYH9-related conditions. ClinVar contains an entry for this variant (Variation ID: 2042205). Invitae Evidence Modeling of protein sequence and biophysical properties (such as structural, functional, and spatial information, amino acid conservation, physicochemical variation, residue mobility, and thermodynamic stability) has been performed for this missense variant. However, the output from this modeling did not meet the statistical confidence thresholds required to predict the impact of this variant on MYH9 protein function. In summary, the available evidence is currently insufficient to determine the role of this variant in disease. Therefore, it has been classified as a Variant of Uncertain Significance.

Blueprint Genetics
Classification: Uncertain significance. Last evaluated: 2020-03-05. Review status: criteria provided, single submitter. Criteria: ACMG Guidelines, 2015. Collection method: clinical testing. Allele origin: germline.

NM_002473.6(MYH9):c.4963G>C (p.Asp1655His)

Gene: MYH9 (myosin heavy chain 9; minus strand). Cytogenetic location: 22q12.3.
Variant type: single nucleotide variant.
Coding change: c.4963G>C on transcript NM_002473.6 (MANE Select); coding-DNA position 4963, G replaced by C.
Protein change: p.Asp1655His; replaces aspartic acid 1655 with histidine.
Molecular consequence: missense variant.
Genome position (GRCh38, 1-based): chr22:36,286,816, C>G on the plus strand (G>C on the coding strand, the complement: MYH9 is on the minus strand). VCF-style: chr22-36286816-C-G. GRCh37 (hg19) VCF-style: chr22-36682862-C-G.
Other names: c.4963G>C (NM_002473.4); short protein forms D1655H.
Identifiers: ClinVar variation 2042205 (VCV002042205.6), dbSNP rs751002241, ClinGen allele CA10209222.